The following is an entry in ClinVar:

NM_004360.5(CDH1):c.1863C>T (p.Pro621=)

Gene: CDH1 (cadherin 1; plus strand). Cytogenetic location: 16q22.1.
Variant type: single nucleotide variant.
Coding change: c.1863C>T on transcript NM_004360.5 (MANE Select); coding-DNA position 1863, C replaced by T.
Protein change: p.Pro621=; no amino-acid change (proline 621 retained).
Molecular consequence: synonymous variant. On other transcripts: 5 prime UTR variant (1).
Genome position (GRCh38, 1-based): chr16:68,822,152, C>T. VCF-style: chr16-68822152-C-T. GRCh37 (hg19) VCF-style: chr16-68856055-C-T.
Other names: c.1680C>T, p.Pro560= (NM_001317184.2); c.315C>T, p.Pro105= (NM_001317185.2); c.-103C>T (NM_001317186.2).
Identifiers: ClinVar variation 3224160 (VCV003224160.2), dbSNP rs2152138477, ClinGen allele CA496392799.

ClinVar aggregate classification (germline): Benign/Likely benign. Review status: criteria provided, multiple submitters, no conflicts (2 of 4 stars). 2 submissions from 2 submitters: Benign (1); Likely benign (1). Last evaluated 2024-09-20.

Conditions:
Hereditary cancer-predisposing syndrome. Also called: Hereditary Cancer Syndrome; Tumor predisposition; Neoplastic Syndromes, Hereditary; Hereditary neoplastic syndrome. Identifiers: Orphanet 140162, MedGen C0027672, MeSH D009386, MONDO:0015356.
Hereditary diffuse gastric adenocarcinoma (HDGC). Also called: DIFFUSE GASTRIC AND LOBULAR BREAST CANCER SYNDROME. Identifiers: Orphanet 26106, MedGen C1708349, MONDO:0007648, OMIM 137215.

Submissions (2):

Myriad Genetics, Inc.
Classification: Benign for Hereditary diffuse gastric adenocarcinoma. Last evaluated: 2024-09-20. Review status: criteria provided, single submitter. Criteria: Myriad Autosomal Dominant, Autosomal Recessive and X-Linked Classification Criteria (2023). Collection method: clinical testing. Allele origin: unknown.
Comment: This variant is considered benign. This variant is a silent/synonymous amino acid change and it is not expected to impact splicing.

Ambry Genetics
Classification: Likely benign for Hereditary cancer-predisposing syndrome. Last evaluated: 2023-12-08. Review status: criteria provided, single submitter. Criteria: Ambry Variant Classification Scheme 2023. Collection method: clinical testing. Allele origin: germline.